The following is an entry in ClinVar:

NM_001379180.1(ESRRB):c.1028G>A (p.Arg343Gln)

Gene: ESRRB (estrogen related receptor beta; plus strand). Cytogenetic location: 14q24.3.
Variant type: single nucleotide variant.
Coding change: c.1028G>A on transcript NM_001379180.1 (MANE Select); coding-DNA position 1028, G replaced by A.
Protein change: p.Arg343Gln; replaces arginine 343 with glutamine.
Molecular consequence: missense variant.
Genome position (GRCh38, 1-based): chr14:76,491,624, G>A. VCF-style: chr14-76491624-G-A. GRCh37 (hg19) VCF-style: chr14-76957967-G-A.
Other names: c.965G>A, p.Arg322Gln (NM_004452.4); c.965G>A (NM_004452.3); short protein forms R343Q, R322Q.
Identifiers: ClinVar variation 1428373 (VCV001428373.36), dbSNP rs146185697, ClinGen allele CA7281746.

ClinVar aggregate classification (germline): Uncertain significance. Review status: criteria provided, multiple submitters, no conflicts (2 of 4 stars). 4 submissions from 4 submitters: Uncertain significance (4). Last evaluated 2024-09-30.

Allele frequency attached by ClinVar (database versions not stated): gnomAD exomes 0.00009 and 0.00023; TOPMed 0.00009; gnomAD 0.00013; ExAC 0.00015; 1000 Genomes Project 30x 0.00016; 1000 Genomes Project 0.00020; ESP Exome Variant Server 0.00023.
gnomAD v4.1: 353 of 1,583,970 alleles (0.022%); highest among the groups gnomAD compares: Non-Finnish European, 0.027%; 1 homozygote.

Submissions (4):

Blueprint Genetics
Classification: Uncertain significance. Last evaluated: 2024-09-30. Review status: criteria provided, single submitter. Criteria: ACMG Guidelines, 2015. Collection method: clinical testing. Allele origin: germline.

CeGaT Center for Human Genetics Tuebingen
Classification: Uncertain significance. Last evaluated: 2022-07-01. Review status: criteria provided, single submitter. Criteria: CeGaT Center For Human Genetics Tuebingen Variant Classification Criteria Version 2. Collection method: clinical testing. Allele origin: germline. Affected: yes. Observed: 1 variant allele.

Labcorp Genetics (formerly Invitae), Labcorp
Classification: Uncertain significance. Last evaluated: 2021-08-11. Review status: criteria provided, single submitter. Criteria: Invitae Variant Classification Sherloc (09022015). Collection method: clinical testing. Allele origin: germline.
Comment: In summary, the available evidence is currently insufficient to determine the role of this variant in disease. Therefore, it has been classified as a Variant of Uncertain Significance. Algorithms developed to predict the effect of missense changes on protein structure and function (SIFT, PolyPhen-2, Align-GVGD) all suggest that this variant is likely to be tolerated. This sequence change replaces arginine with glutamine at codon 322 of the ESRRB protein (p.Arg322Gln). The arginine residue is moderately conserved and there is a small physicochemical difference between arginine and glutamine. This variant is present in population databases (rs146185697, ExAC 0.02%). This variant has not been reported in the literature in individuals affected with ESRRB-related conditions.

Ambry Genetics
Classification: Uncertain significance. Last evaluated: 2021-08-02. Review status: criteria provided, single submitter. Criteria: Ambry Variant Classification Scheme 2023. Collection method: clinical testing. Allele origin: germline.